The following is an entry in ClinVar:

NM_015721.3(GEMIN4):c.673C>T (p.Gln225Ter)

Gene: GEMIN4 (gem nuclear organelle associated protein 4; minus strand). Cytogenetic location: 17p13.3.
Variant type: single nucleotide variant.
Coding change: c.673C>T on transcript NM_015721.3 (MANE Select); coding-DNA position 673, C replaced by T.
Protein change: p.Gln225Ter; replaces glutamine 225 with a stop codon.
Molecular consequence: nonsense.
Genome position (GRCh38, 1-based): chr17:747,370, G>A on the plus strand (C>T on the coding strand, the complement: GEMIN4 is on the minus strand). VCF-style: chr17-747370-G-A. GRCh37 (hg19) VCF-style: chr17-650610-G-A.
Other names: short protein forms Q225*.
Identifiers: ClinVar variation 1028001 (VCV001028001.1), dbSNP rs1904313543, ClinGen allele CA397509435.

ClinVar aggregate classification (germline): Uncertain significance (1 of 4 stars; one submission).

Conditions:
Neurodevelopmental disorder with microcephaly, cataracts, and renal abnormalities. Identifiers: MedGen C4693567, MONDO:0060664, OMIM 617913.

Submission:

Baylor Genetics
Classification: Uncertain significance for Neurodevelopmental disorder with microcephaly, cataracts, and renal abnormalities. Last evaluated: 2020-09-10. Review status: criteria provided, single submitter. Criteria: ACMG Guidelines, 2015. Collection method: clinical testing. Allele origin: unknown. Affected: yes.
Comment: This variant was determined to be of uncertain significance according to ACMG Guidelines, 2015 [PMID:25741868].